The following is an entry in ClinVar:

ClinVar aggregate classification (germline): Uncertain significance (1 of 4 stars; one submission).

Conditions:
Majeed syndrome (MJDS). Also called: CHRONIC RECURRENT MULTIFOCAL OSTEOMYELITIS 1, WITH CONGENITAL DYSERYTHROPOIETIC ANEMIA, WITH OR WITHOUT NEUTROPHILIC DERMATOSIS; LPIN2-Related Majeed Syndrome. Identifiers: Orphanet 77297, MedGen C1864997, MONDO:0012316, OMIM 609628.

Submission:

Labcorp Genetics (formerly Invitae), Labcorp
Classification: Uncertain significance for Majeed syndrome. Last evaluated: 2023-03-20. Review status: criteria provided, single submitter. Criteria: Invitae Variant Classification Sherloc (09022015). Collection method: clinical testing. Allele origin: unknown.
Comment: In summary, the available evidence is currently insufficient to determine the role of this variant in disease. Therefore, it has been classified as a Variant of Uncertain Significance. Experimental studies and prediction algorithms are not available or were not evaluated, and the functional significance of this variant is currently unknown. This variant has not been reported in the literature in individuals affected with LPIN2-related conditions. This variant results in a copy number gain of the genomic region encompassing exon(s) 18-20 of the LPIN2 gene. This region includes the termination codon of the gene. This copy number gain extends beyond the assayed region for this gene and therefore may encompass additional genes. As the precise location of this event is unknown, it may be in tandem or it may be located elsewhere in the genome.

NC_000018.9:g.(?_2784428)_(2921665_?)dup

Genes: LPIN2 (lipin 2; minus strand), SMCHD1 (structural maintenance of chromosomes flexible hinge domain containing 1; plus strand), EMILIN2 (elastin microfibril interfacer 2; plus strand). Cytogenetic location: 18p11.32-11.31.
Variant type: Duplication.
Identifiers: ClinVar variation 3242757 (VCV003242757.1).